The following is an entry in ClinVar:

NM_001148.6(ANK2):c.11791G>T (p.Glu3931Ter)

Gene: ANK2 (ankyrin 2; plus strand). Cytogenetic location: 4q26.
Variant type: single nucleotide variant.
Coding change: c.11791G>T on transcript NM_001148.6 (MANE Select); coding-DNA position 11791, G replaced by T.
Protein change: p.Glu3931Ter; replaces glutamic acid 3931 with a stop codon.
Molecular consequence: nonsense. On other transcripts: intron variant (9).
Genome position (GRCh38, 1-based): chr4:113,373,381, G>T. VCF-style: chr4-113373381-G-T. GRCh37 (hg19) VCF-style: chr4-114294537-G-T.
Other names: c.5563G>T, p.Glu1855Ter (NM_001354244.2); c.5374G>T, p.Glu1792Ter (NM_001354245.2, NM_001354262.2); c.5533G>T, p.Glu1845Ter (NM_001354246.2); c.5350G>T, p.Glu1784Ter (NM_001354249.2, NM_001354266.2, NM_001354267.2); c.5506G>T, p.Glu1836Ter (NM_001354252.2); c.5311G>T, p.Glu1771Ter (NM_001354253.2, NM_001354270.2); c.5485G>T, p.Glu1829Ter (NM_001354254.2); c.5473G>T, p.Glu1825Ter (NM_001354255.2); and 50 more; short protein forms E1022*, E1029*, E1034*, E1685*, E1718*, E1746*, E1751*, E1759*.
Identifiers: ClinVar variation 1315953 (VCV001315953.2), dbSNP rs45454496, ClinGen allele CA357943726.

ClinVar aggregate classification (germline): Uncertain significance (1 of 4 stars; one submission).

Submission:

GeneDx
Classification: Uncertain significance. Last evaluated: 2020-01-28. Review status: criteria provided, single submitter. Criteria: GeneDx Variant Classification Process June 2021. Collection method: clinical testing. Allele origin: germline. Affected: yes.
Comment: Not observed in large population cohorts (Lek et al., 2016); Nonsense variant predicted to result in protein truncation or nonsense mediated decay in a gene for which loss-of-function is not a known mechanism of disease; Has not been previously published as pathogenic or benign to our knowledge